The following is an entry in ClinVar:

NM_033305.3(VPS13A):c.6392C>A (p.Ser2131Ter)

Gene: VPS13A (vacuolar protein sorting 13 homolog A; plus strand). Cytogenetic location: 9q21.2.
Variant type: single nucleotide variant.
Coding change: c.6392C>A on transcript NM_033305.3 (MANE Select); coding-DNA position 6392, C replaced by A.
Protein change: p.Ser2131Ter; replaces serine 2131 with a stop codon.
Molecular consequence: nonsense.
Genome position (GRCh38, 1-based): chr9:77,339,529, C>A. VCF-style: chr9-77339529-C-A. GRCh37 (hg19) VCF-style: chr9-79954445-C-A.
Other names: c.6275C>A, p.Ser2092Ter (NM_001018037.2); c.6392C>A, p.Ser2131Ter (NM_001018038.3, NM_015186.4); c.6392C>A (NM_033305.2); short protein forms S2092*, S2131*.
Identifiers: ClinVar variation 1073143 (VCV001073143.9), dbSNP rs1394368004, ClinGen allele CA373849872.

ClinVar aggregate classification (germline): Pathogenic. Review status: criteria provided, multiple submitters, no conflicts (2 of 4 stars). 3 submissions from 3 submitters: Pathogenic (3). Last evaluated 2026-02-04.

Conditions:
VPS13A-related neurodegenerative disease. Also called: ACANTHOCYTOSIS WITH NEUROLOGIC DISORDER; LEVINE-CRITCHLEY SYNDROME; Choreoacanthocytosis; Chorea-acanthocytosis; VPS13A Disease; Choreaacanthocytosis. Identifiers: Orphanet 2388, MedGen C0393576, MONDO:0008695, OMIM 200150.

Allele frequency attached by ClinVar (database versions not stated): gnomAD exomes below 0.00001.

Submissions (3):

Myriad Genetics, Inc.
Classification: Pathogenic for VPS13A-related neurodegenerative disease. Last evaluated: 2026-02-04. Review status: criteria provided, single submitter. Criteria: Myriad Autosomal Dominant, Autosomal Recessive and X-Linked Classification Criteria (2023). Collection method: clinical testing. Allele origin: unknown.
Comment: NM_033305.2(VPS13A):c.6392C>A(S2131*) is expected to be pathogenic in the context of VPS13A disease. This variant is predicted to lead to an abnormal or absent protein product due to the creation of a premature termination codon in VPS13A, a gene where loss-of-function variants are known to be pathogenic. Please note: this variant was assessed in the context of healthy population screening.

GeneDx
Classification: Pathogenic. Last evaluated: 2025-07-30. Review status: criteria provided, single submitter. Criteria: GeneDx Variant Classification Process June 2021. Collection method: clinical testing. Allele origin: germline. Affected: yes.
Comment: Nonsense variant predicted to result in protein truncation or nonsense mediated decay in a gene for which loss of function is a known mechanism of disease; Not observed at significant frequency in large population cohorts (gnomAD); Has not been previously published as pathogenic or benign to our knowledge

Labcorp Genetics (formerly Invitae), Labcorp
Classification: Pathogenic. Last evaluated: 2022-06-12. Review status: criteria provided, single submitter. Criteria: Invitae Variant Classification Sherloc (09022015). Collection method: clinical testing. Allele origin: germline.
Comment: For these reasons, this variant has been classified as Pathogenic. Algorithms developed to predict the effect of sequence changes on RNA splicing suggest that this variant may disrupt the consensus splice site. ClinVar contains an entry for this variant (Variation ID: 1073143). This variant has not been reported in the literature in individuals affected with VPS13A-related conditions. This variant is not present in population databases (gnomAD no frequency). This sequence change creates a premature translational stop signal (p.Ser2131*) in the VPS13A gene. It is expected to result in an absent or disrupted protein product. Loss-of-function variants in VPS13A are known to be pathogenic (PMID: 12404112, 21598378).

Literature cited by the submitters: PubMed 12404112 (cited by Labcorp Genetics (formerly Invitae), Labcorp); PubMed 21598378 (cited by Labcorp Genetics (formerly Invitae), Labcorp).